The following is an entry in ClinVar:

NM_001378120.1(MBD5):c.-924-1G>C

Gene: MBD5 (methyl-CpG binding domain protein 5; plus strand). Cytogenetic location: 2q23.1.
Variant type: single nucleotide variant.
Coding change: c.-924-1G>C on transcript NM_001378120.1 (MANE Select); the canonical splice acceptor site of the intron before 924 bases upstream of the start codon, G replaced by C.
Molecular consequence: splice acceptor variant.
Genome position (GRCh38, 1-based): chr2:148,178,699, G>C. VCF-style: chr2-148178699-G-C. GRCh37 (hg19) VCF-style: chr2-148936268-G-C.
Other names: c.-924-1G>C (NM_018328.5, NM_001438862.1, NM_001438854.1 and 4 more transcripts); c.-1011-1G>C (NM_001438857.1); c.-773-1G>C (NM_001438858.1, NM_001438861.1).
Identifiers: ClinVar variation 4846845 (VCV004846845.1).

ClinVar aggregate classification (germline): Uncertain significance (1 of 4 stars; one submission).

Conditions:
Intellectual developmental disorder, autosomal dominant 1. Also called: MBD5 Haploinsufficiency; Intellectual disability, autosomal dominant 1. Identifiers: Orphanet 228402, MedGen C1969562, MONDO:0007974, OMIM 156200.

Submission:

Laboratorio de Genetica e Diagnostico Molecular, Hospital Israelita Albert Einstein
Classification: Uncertain significance for Intellectual developmental disorder, autosomal dominant 1. Last evaluated: 2026-01-28. Review status: criteria provided, single submitter. Criteria: ACMG Guidelines, 2015. Collection method: clinical testing. Allele origin: germline. Affected: yes.
Comment: ACMG classification criteria: PVS1 moderate, PM2 supporting